The following is an entry in ClinVar:

NM_005076.5(CNTN2):c.2228G>C (p.Gly743Ala)

Gene: CNTN2 (contactin 2; plus strand). Cytogenetic location: 1q32.1.
Variant type: single nucleotide variant.
Coding change: c.2228G>C on transcript NM_005076.5 (MANE Select); coding-DNA position 2228, G replaced by C.
Protein change: p.Gly743Ala; replaces glycine 743 with alanine.
Molecular consequence: missense variant.
Genome position (GRCh38, 1-based): chr1:205,069,858, G>C. VCF-style: chr1-205069858-G-C. GRCh37 (hg19) VCF-style: chr1-205038986-G-C.
Other names: c.2228G>C, p.Gly743Ala (NM_001346083.2); c.2228G>C (NM_005076.3); short protein forms G743A.
Identifiers: ClinVar variation 999615 (VCV000999615.7), dbSNP rs746291684, ClinGen allele CA1351644.

ClinVar aggregate classification (germline): Uncertain significance. Review status: criteria provided, multiple submitters, no conflicts (2 of 4 stars). 2 submissions from 2 submitters: Uncertain significance (2). Last evaluated 2025-03-27.

Conditions:
Epilepsy, familial adult myoclonic, 5 (EPEO5). Also called: CORTICAL MYOCLONIC TREMOR WITH EPILEPSY, FAMILIAL, 5. Identifiers: Orphanet 86814, MedGen C3809374, MONDO:0014167, OMIM 615400.

Allele frequency attached by ClinVar (database versions not stated): gnomAD 0.00005; ExAC 0.00002; TOPMed 0.00004.

Submissions (2):

Ambry Genetics
Classification: Uncertain significance. Last evaluated: 2025-03-27. Review status: criteria provided, single submitter. Criteria: Ambry Variant Classification Scheme 2023. Collection method: clinical testing. Allele origin: germline.

Labcorp Genetics (formerly Invitae), Labcorp
Classification: Uncertain significance for Epilepsy, familial adult myoclonic, 5. Last evaluated: 2021-08-31. Review status: criteria provided, single submitter. Criteria: Invitae Variant Classification Sherloc (09022015). Collection method: clinical testing. Allele origin: germline.
Comment: This sequence change replaces glycine with alanine at codon 743 of the CNTN2 protein (p.Gly743Ala). The glycine residue is highly conserved and there is a small physicochemical difference between glycine and alanine. This variant is present in population databases (rs746291684, ExAC 0.01%). This variant has not been reported in the literature in individuals affected with CNTN2-related conditions. Algorithms developed to predict the effect of missense changes on protein structure and function (SIFT, PolyPhen-2, Align-GVGD) all suggest that this variant is likely to be disruptive. In summary, the available evidence is currently insufficient to determine the role of this variant in disease. Therefore, it has been classified as a Variant of Uncertain Significance.